The following is an entry in ClinVar:

ClinVar aggregate classification (germline): Uncertain significance (1 of 4 stars; one submission).

Conditions:
Congenital myasthenic syndrome 2A. Also called: Myasthenic syndrome, congenital, 2a, slow-channel. Identifiers: Orphanet 590, MedGen C4225374, MONDO:0014581, OMIM 616313.

Allele frequency attached by ClinVar (database versions not stated): TOPMed 0.00001.
gnomAD v4.1: 55 of 1,614,014 alleles (0.0034%); highest among the groups gnomAD compares: Non-Finnish European, 0.0044%; 1 homozygote.

Submission:

Labcorp Genetics (formerly Invitae), Labcorp
Classification: Uncertain significance for Congenital myasthenic syndrome 2A. Last evaluated: 2023-03-06. Review status: criteria provided, single submitter. Criteria: Invitae Variant Classification Sherloc (09022015). Collection method: clinical testing. Allele origin: germline.
Comment: This sequence change replaces arginine, which is basic and polar, with leucine, which is neutral and non-polar, at codon 232 of the CHRNB1 protein (p.Arg232Leu). This variant is present in population databases (rs202080837, gnomAD 0.002%). This variant has not been reported in the literature in individuals affected with CHRNB1-related conditions. ClinVar contains an entry for this variant (Variation ID: 648381). Advanced modeling of protein sequence and biophysical properties (such as structural, functional, and spatial information, amino acid conservation, physicochemical variation, residue mobility, and thermodynamic stability) performed at Invitae indicates that this missense variant is not expected to disrupt CHRNB1 protein function. In summary, the available evidence is currently insufficient to determine the role of this variant in disease. Therefore, it has been classified as a Variant of Uncertain Significance.

NM_000747.3(CHRNB1):c.695G>T (p.Arg232Leu)

Gene: CHRNB1 (cholinergic receptor nicotinic beta 1 subunit; plus strand). Cytogenetic location: 17p13.1.
Variant type: single nucleotide variant.
Coding change: c.695G>T on transcript NM_000747.3 (MANE Select); coding-DNA position 695, G replaced by T.
Protein change: p.Arg232Leu; replaces arginine 232 with leucine.
Molecular consequence: missense variant.
Genome position (GRCh38, 1-based): chr17:7,448,663, G>T. VCF-style: chr17-7448663-G-T. GRCh37 (hg19) VCF-style: chr17-7351982-G-T.
Other names: short protein forms R232L.
Identifiers: ClinVar variation 648381 (VCV000648381.8), dbSNP rs202080837, ClinGen allele CA8347863.